The following is an entry in ClinVar:

ClinVar aggregate classification (germline): Uncertain significance (1 of 4 stars; one submission).

Conditions:
Hereditary cancer-predisposing syndrome. Also called: Hereditary Cancer Syndrome; Hereditary neoplastic syndrome; Neoplastic Syndromes, Hereditary; Tumor predisposition. Identifiers: Orphanet 140162, MedGen C0027672, MeSH D009386, MONDO:0015356.

Submission:

Ambry Genetics
Classification: Uncertain significance for Hereditary cancer-predisposing syndrome. Last evaluated: 2022-06-28. Review status: criteria provided, single submitter. Criteria: Ambry Variant Classification Scheme 2023. Collection method: clinical testing. Allele origin: germline.
Comment: The p.D446H variant (also known as c.1336G>C), located in coding exon 4 of the PALB2 gene, results from a G to C substitution at nucleotide position 1336. The aspartic acid at codon 446 is replaced by histidine, an amino acid with similar properties. This amino acid position is not well conserved in available vertebrate species. In addition, this alteration is predicted to be tolerated by in silico analysis. Since supporting evidence is limited at this time, the clinical significance of this alteration remains unclear.

NM_024675.4(PALB2):c.1336G>C (p.Asp446His)

Gene: PALB2 (partner and localizer of BRCA2; minus strand). Cytogenetic location: 16p12.2.
Variant type: single nucleotide variant.
Coding change: c.1336G>C on transcript NM_024675.4 (MANE Select); coding-DNA position 1336, G replaced by C.
Protein change: p.Asp446His; replaces aspartic acid 446 with histidine.
Molecular consequence: missense variant.
Genome position (GRCh38, 1-based): chr16:23,635,210, C>G on the plus strand (G>C on the coding strand, the complement: PALB2 is on the minus strand). VCF-style: chr16-23635210-C-G. GRCh37 (hg19) VCF-style: chr16-23646531-C-G.
Other names: c.1276G>C, p.Asp426His (NM_001407296.1); c.1336G>C, p.Asp446His (NM_001407297.1, NM_001407298.1, NM_001407299.1 and 3 more transcripts); c.451G>C, p.Asp151His (NM_001407304.1, NM_001407305.1, NM_001407306.1 and 5 more transcripts); short protein forms D151H, D426H, D446H.
Identifiers: ClinVar variation 1770250 (VCV001770250.2), dbSNP rs2142419030, ClinGen allele CA395132252.